The following is an entry in ClinVar:

NM_001374385.1(ATP8B1):c.1408T>G (p.Cys470Gly)

Gene: ATP8B1 (ATPase phospholipid transporting 8B1; minus strand). Cytogenetic location: 18q21.31.
Variant type: single nucleotide variant.
Coding change: c.1408T>G on transcript NM_001374385.1 (MANE Select); coding-DNA position 1408, T replaced by G.
Protein change: p.Cys470Gly; replaces cysteine 470 with glycine.
Molecular consequence: missense variant.
Genome position (GRCh38, 1-based): chr18:57,688,320, A>C on the plus strand (T>G on the coding strand, the complement: ATP8B1 is on the minus strand). VCF-style: chr18-57688320-A-C. GRCh37 (hg19) VCF-style: chr18-55355552-A-C.
Other names: c.1258T>G, p.Cys420Gly (NM_001374386.1); c.1408T>G, p.Cys470Gly (NM_005603.6); short protein forms C420G, C470G.
Identifiers: ClinVar variation 4846644 (VCV004846644.1).

ClinVar aggregate classification (germline): Uncertain significance (1 of 4 stars; one submission).

Conditions:
Familial intrahepatic cholestasis. Identifiers: Orphanet 284385, MedGen CN296401, MONDO:0017290.

Submission:

Genomenon, Inc
Classification: Uncertain significance for Familial intrahepatic cholestasis. Last evaluated: 2026-04-14. Review status: criteria provided, single submitter. Criteria: Genomenon Sequence Variant Interpretation Standards - Updated. Collection method: curation. Allele origin: germline. Affected: yes.
Comment: ATP8B1 p.Cys470Gly (c.1408T>G) is a missense variant that changes the amino acid at residue 470 from Cysteine to Glycine. This variant has been observed in at least one proband with features of ATP8B1-deficiency (PMID:33437900). At least one functional study has demonstrated a substantial alteration in protein function relative to the wild-type (PMID:33437900). At least one splicing study demonstrated no effect on splicing (PMID:33437900). It is absent or not present at a significant frequency in gnomAD. In conclusion, we classify ATP8B1 p.Cys470Gly (c.1408T>G) as a variant of uncertain significance.

Literature cited by the submitters: PubMed 33437900.